The following is an entry in ClinVar:

ClinVar aggregate classification (germline): Uncertain significance. Review status: criteria provided, multiple submitters, no conflicts (2 of 4 stars). 2 submissions from 2 submitters: Uncertain significance (2). Last evaluated 2024-10-31.

Conditions:
Autosomal recessive limb-girdle muscular dystrophy type 2O. Also called: Limb-Girdle Muscular Dystrophy Type 3C; MUSCULAR DYSTROPHY-DYSTROGLYCANOPATHY (LIMB-GIRDLE), TYPE C, 3; MUSCULAR DYSTROPHY-DYSTROGLYCANOPATHY, LIMB-GIRDLE, POMGNT1-RELATED. Identifiers: Orphanet 206564, MedGen C3150417, MONDO:0013161, OMIM 613157.
Muscular dystrophy-dystroglycanopathy (congenital with impaired intellectual development), type B, 3. Also called: Muscular dystrophy-dystroglycanopathy (congenital with intellectual disability), type B3; MUSCULAR DYSTROPHY, CONGENITAL, POMGNT1-RELATED. Identifiers: MedGen C3150412, MONDO:0013155, OMIM 613151.

Allele frequency attached by ClinVar (database versions not stated): ExAC 0.00002; gnomAD 0.00001; gnomAD exomes 0.00001; TOPMed 0.00001.
gnomAD v4.1: 16 of 1,614,020 alleles (0.00099%); highest among the groups gnomAD compares: Non-Finnish European, 0.0014%; no homozygotes.

Submissions (2):

Blueprint Genetics
Classification: Uncertain significance. Last evaluated: 2024-10-31. Review status: criteria provided, single submitter. Criteria: ACMG Guidelines, 2015. Collection method: clinical testing. Allele origin: germline.

Labcorp Genetics (formerly Invitae), Labcorp
Classification: Uncertain significance for Autosomal recessive limb-girdle muscular dystrophy type 2O; Muscular dystrophy-dystroglycanopathy (congenital with impaired intellectual development), type B, 3. Last evaluated: 2021-08-24. Review status: criteria provided, single submitter. Criteria: Invitae Variant Classification Sherloc (09022015). Collection method: clinical testing. Allele origin: germline.
Comment: This sequence change replaces leucine with valine at codon 185 of the POMGNT1 protein (p.Leu185Val). The leucine residue is highly conserved and there is a small physicochemical difference between leucine and valine. This variant is present in population databases (rs757919524, ExAC 0.003%). This variant has not been reported in the literature in individuals affected with POMGNT1-related conditions. Advanced modeling of protein sequence and biophysical properties (such as structural, functional, and spatial information, amino acid conservation, physicochemical variation, residue mobility, and thermodynamic stability) performed at Invitae indicates that this missense variant is not expected to disrupt POMGNT1 protein function. In summary, the available evidence is currently insufficient to determine the role of this variant in disease. Therefore, it has been classified as a Variant of Uncertain Significance.

NM_017739.4(POMGNT1):c.553C>G (p.Leu185Val)

Genes: POMGNT1 (protein O-linked mannose N-acetylglucosaminyltransferase 1 (beta 1,2-); minus strand), TSPAN1 (tetraspanin 1; plus strand). Cytogenetic location: 1p34.1.
Variant type: single nucleotide variant.
Coding change: c.553C>G on transcript NM_017739.4 (MANE Select); coding-DNA position 553, C replaced by G.
Protein change: p.Leu185Val; replaces leucine 185 with valine.
Molecular consequence: missense variant.
Genome position (GRCh38, 1-based): chr1:46,194,943, G>C on the plus strand (C>G on the coding strand, the complement: POMGNT1 is on the minus strand). VCF-style: chr1-46194943-G-C. GRCh37 (hg19) VCF-style: chr1-46660615-G-C.
Other names: c.553C>G, p.Leu185Val (NM_001243766.2, NM_001410783.1); c.487C>G, p.Leu163Val (NM_001290129.3); c.124C>G, p.Leu42Val (NM_001290130.2); short protein forms L163V, L185V, L42V.
Identifiers: ClinVar variation 1447987 (VCV001447987.6), dbSNP rs757919524, ClinGen allele CA833685.
Genomic context (GRCh38, chr1:46,194,943, plus strand): 5'-CCAGGGCAGGGCCAGCCTGGCTGCCCAGGCTCCTCAGCAGAGCCTTGGCTGTGTCCTTGA[G>C]GTGGAAGGAGCCCTCATCCTGGGGGACCAGAGAAGGCAGTTAGCCTGACTGGCATGGTTC-3'
Protein context (NP_060209.4, residues 175-195): CTVKDEGSFH[Leu185Val]KDTAKALLRS